The following is an entry in ClinVar:

ClinVar aggregate classification (germline): Uncertain significance. Review status: criteria provided, multiple submitters, no conflicts (2 of 4 stars). 2 submissions from 2 submitters: Uncertain significance (2). Last evaluated 2025-04-25.

Conditions:
Neuroblastoma, susceptibility to, 3. Also called: ALK-Related Neuroblastic Tumor Susceptibility. Identifiers: Orphanet 635, MedGen C2751681, MONDO:0013083, OMIM 613014.
Hereditary cancer-predisposing syndrome. Also called: Neoplastic Syndromes, Hereditary; Hereditary Cancer Syndrome; Hereditary neoplastic syndrome; Tumor predisposition. Identifiers: Orphanet 140162, MedGen C0027672, MeSH D009386, MONDO:0015356.

Allele frequency attached by ClinVar (database versions not stated): ExAC 0.00001; gnomAD 0.00001; gnomAD exomes 0.00001; TOPMed 0.00001.
gnomAD v4.1: 5 of 1,614,004 alleles (0.00031%); highest among the groups gnomAD compares: Non-Finnish European, 0.00042%; no homozygotes.

Submissions (2):

Ambry Genetics
Classification: Uncertain significance for Hereditary cancer-predisposing syndrome. Last evaluated: 2025-04-25. Review status: criteria provided, single submitter. Criteria: Ambry Variant Classification Scheme 2023. Collection method: clinical testing. Allele origin: germline.
Comment: The c.3067+3A>G intronic variant results from an A to G substitution 3 nucleotides after coding exon 18 in the ALK gene. This nucleotide position is not well conserved in available vertebrate species. In silico splice site analysis predicts that this alteration will not have any significant effect on splicing. Based on the available evidence, the clinical significance of this variant remains unclear.

Labcorp Genetics (formerly Invitae), Labcorp
Classification: Uncertain significance for Neuroblastoma, susceptibility to, 3. Last evaluated: 2025-04-13. Review status: criteria provided, single submitter. Criteria: Invitae Variant Classification Sherloc (09022015). Collection method: clinical testing. Allele origin: germline.
Comment: This sequence change falls in intron 18 of the ALK gene. It does not directly change the encoded amino acid sequence of the ALK protein. It affects a nucleotide within the consensus splice site. This variant is present in population databases (rs753385730, gnomAD 0.002%). This variant has not been reported in the literature in individuals affected with ALK-related conditions. ClinVar contains an entry for this variant (Variation ID: 645288). Variants that disrupt the consensus splice site are a relatively common cause of aberrant splicing (PMID: 17576681, 9536098). Algorithms developed to predict the effect of sequence changes on RNA splicing suggest that this variant is not likely to affect RNA splicing. In summary, the available evidence is currently insufficient to determine the role of this variant in disease. Therefore, it has been classified as a Variant of Uncertain Significance.

Literature cited by the submitters: PubMed 17576681 (cited by Labcorp Genetics (formerly Invitae), Labcorp); PubMed 9536098 (cited by Labcorp Genetics (formerly Invitae), Labcorp).

NM_004304.5(ALK):c.3067+3A>G

Gene: ALK (ALK receptor tyrosine kinase; minus strand). Cytogenetic location: 2p23.2.
Variant type: single nucleotide variant.
Coding change: c.3067+3A>G on transcript NM_004304.5 (MANE Select); 3 bases into the intron after coding-DNA position 3067, A replaced by G.
Molecular consequence: intron variant.
Genome position (GRCh38, 1-based): chr2:29,226,919, T>C on the plus strand (A>G on the coding strand, the complement: ALK is on the minus strand). VCF-style: chr2-29226919-T-C. GRCh37 (hg19) VCF-style: chr2-29449785-T-C.
Identifiers: ClinVar variation 645288 (VCV000645288.9), dbSNP rs753385730, ClinGen allele CA1594101.